The following is an entry in ClinVar:

ClinVar aggregate classification (germline): Likely benign (1 of 4 stars; one submission).

gnomAD v4.1: 1 of 1,208,353 alleles (0.000083%); highest among the groups gnomAD compares: Middle Eastern, 0.023%; no homozygotes.

Submission:

CeGaT Center for Human Genetics Tuebingen
Classification: Likely benign. Last evaluated: 2026-05-01. Review status: criteria provided, single submitter. Criteria: CeGaT Center For Human Genetics Tuebingen Variant Classification Criteria Version 2. Collection method: clinical testing. Allele origin: germline. Affected: yes. Observed: 1 variant allele.
Comment: IDS: PM2, PP2, BS2

NM_000202.8(IDS):c.166G>T (p.Asp56Tyr)

Gene: IDS (iduronate 2-sulfatase; minus strand). Cytogenetic location: Xq28.
Variant type: single nucleotide variant.
Coding change: c.166G>T on transcript NM_000202.8 (MANE Select); coding-DNA position 166, G replaced by T.
Protein change: p.Asp56Tyr; replaces aspartic acid 56 with tyrosine.
Molecular consequence: missense variant. On other transcripts: 5 prime UTR variant (1), non-coding transcript variant (1).
Genome position (GRCh38, 1-based): chrX:149,504,231, C>A on the plus strand (G>T on the coding strand, the complement: IDS is on the minus strand). VCF-style: chrX-149504231-C-A. GRCh37 (hg19) VCF-style: chrX-148585761-C-A.
Other names: c.-61G>T (NM_001166550.4); c.166G>T, p.Asp56Tyr (NM_006123.5); short protein forms D56Y.
Identifiers: ClinVar variation 4875015 (VCV004875015.2).